The following is an entry in ClinVar:

ClinVar aggregate classification (germline): Uncertain significance (1 of 4 stars; one submission).

Conditions:
Catecholaminergic polymorphic ventricular tachycardia (CVPT). Also called: Catecholamine-induced polymorphic ventricular tachycardia. Identifiers: Orphanet 3286, MedGen C5574922, MONDO:0017990.

Submission:

All of Us Research Program, National Institutes of Health
Classification: Uncertain significance for Catecholaminergic polymorphic ventricular tachycardia. Last evaluated: 2023-08-15. Review status: criteria provided, single submitter. Criteria: ACMG Guidelines, 2015. Collection method: clinical testing. Allele origin: germline. Inheritance: Autosomal dominant inheritance. Observed: 1 variant allele, 1 heterozygote.
Comment: This study involves interpretation of variants in research participants for the purpose of population health screening. Participant phenotype was not available at the time of variant classification. Additional details can be found in publication PMID: 35346344, PMCID: PMC8962531

NM_001035.3(RYR2):c.4388G>C (p.Arg1463Pro)

Gene: RYR2 (ryanodine receptor 2; plus strand). Cytogenetic location: 1q43.
Variant type: single nucleotide variant.
Coding change: c.4388G>C on transcript NM_001035.3 (MANE Select); coding-DNA position 4388, G replaced by C.
Protein change: p.Arg1463Pro; replaces arginine 1463 with proline.
Molecular consequence: missense variant.
Genome position (GRCh38, 1-based): chr1:237,593,588, G>C. VCF-style: chr1-237593588-G-C. GRCh37 (hg19) VCF-style: chr1-237756888-G-C.
Other names: short protein forms R1463P.
Identifiers: ClinVar variation 3072753 (VCV003072753.1), dbSNP rs753707154, ClinGen allele CA345399924.